The following is an entry in ClinVar:

NM_001267550.2(TTN):c.7780A>G (p.Met2594Val)

Gene: TTN (titin; minus strand). Cytogenetic location: 2q31.2.
Variant type: single nucleotide variant.
Coding change: c.7780A>G on transcript NM_001267550.2 (MANE Select); coding-DNA position 7780, A replaced by G.
Protein change: p.Met2594Val; replaces methionine 2594 with valine.
Molecular consequence: missense variant.
Genome position (GRCh38, 1-based): chr2:178,773,184, T>C on the plus strand (A>G on the coding strand, the complement: TTN is on the minus strand). VCF-style: chr2-178773184-T-C. GRCh37 (hg19) VCF-style: chr2-179637911-T-C.
Other names: c.7780A>G, p.Met2594Val (NM_001256850.1, NM_133378.4, NM_133379.5); c.7642A>G, p.Met2548Val (NM_003319.4, NM_133432.3, NM_133437.4); short protein forms M2548V, M2594V.
Identifiers: ClinVar variation 1759949 (VCV001759949.2), dbSNP rs913684550, ClinGen allele CA61005979.

ClinVar aggregate classification (germline): Uncertain significance (1 of 4 stars; one submission).

Conditions:
Cardiovascular phenotype. Identifiers: MedGen CN230736.

Allele frequency attached by ClinVar (database versions not stated): gnomAD exomes below 0.00001; gnomAD 0.00001; TOPMed 0.00001.
gnomAD v4.1: 5 of 1,613,688 alleles (0.00031%); highest among the groups gnomAD compares: Non-Finnish European, 0.00042%; no homozygotes.

Submission:

Ambry Genetics
Classification: Uncertain significance for Cardiovascular phenotype. Last evaluated: 2020-09-04. Review status: criteria provided, single submitter. Criteria: Ambry Variant Classification Scheme 2023. Collection method: clinical testing. Allele origin: germline.
Comment: The p.M2548V variant (also known as c.7642A>G), located in coding exon 31 of the TTN gene, results from an A to G substitution at nucleotide position 7642. The methionine at codon 2548 is replaced by valine, an amino acid with highly similar properties. This amino acid position is not well conserved in available vertebrate species, and valine is the reference amino acid in other vertebrate species. In addition, the in silico prediction for this alteration is inconclusive. Since supporting evidence is limited at this time, the clinical significance of this alteration remains unclear.